The following is an entry in ClinVar:

NM_000308.4(CTSA):c.1063C>T (p.Gln355Ter)

Gene: CTSA (cathepsin A; plus strand). Cytogenetic location: 20q13.12.
Variant type: single nucleotide variant.
Coding change: c.1063C>T on transcript NM_000308.4 (MANE Select); coding-DNA position 1063, C replaced by T.
Protein change: p.Gln355Ter; replaces glutamine 355 with a stop codon.
Molecular consequence: nonsense. On other transcripts: non-coding transcript variant (1).
Genome position (GRCh38, 1-based): chr20:45,895,108, C>T. VCF-style: chr20-45895108-C-T. GRCh37 (hg19) VCF-style: chr20-44523747-C-T.
Other names: c.1063C>T, p.Gln355Ter (NM_001127695.3); c.1012C>T, p.Gln338Ter (NM_001167594.3); short protein forms Q338*, Q355*.
Identifiers: ClinVar variation 2901872 (VCV002901872.3), dbSNP rs1315207101, ClinGen allele CA409252855.

ClinVar aggregate classification (germline): Pathogenic (1 of 4 stars; one submission).

Conditions:
Combined deficiency of sialidase AND beta galactosidase (GSL). Also called: NEURAMINIDASE DEFICIENCY WITH BETA-GALACTOSIDASE DEFICIENCY; NEURAMINIDASE/BETA-GALACTOSIDASE EXPRESSION; PPCA DEFICIENCY; PROTECTIVE PROTEIN/CATHEPSIN A DEFICIENCY; Galactosialidosis; CATHEPSIN A DEFICIENCY. Identifiers: Orphanet 351, MedGen C0268233, MONDO:0009737, OMIM 256540.

Allele frequency attached by ClinVar (database versions not stated): gnomAD exomes below 0.00001; gnomAD 0.00001.
gnomAD v4.1: 5 of 1,614,054 alleles (0.00031%); highest among the groups gnomAD compares: African/African-American, 0.0053%; no homozygotes.

Submission:

Labcorp Genetics (formerly Invitae), Labcorp
Classification: Pathogenic for Combined deficiency of sialidase AND beta galactosidase. Last evaluated: 2023-09-04. Review status: criteria provided, single submitter. Criteria: Invitae Variant Classification Sherloc (09022015). Collection method: clinical testing. Allele origin: germline.
Comment: Algorithms developed to predict the effect of sequence changes on RNA splicing suggest that this variant may create or strengthen a splice site. For these reasons, this variant has been classified as Pathogenic. This variant has not been reported in the literature in individuals affected with CTSA-related conditions. This sequence change creates a premature translational stop signal (p.Gln373*) in the CTSA gene. It is expected to result in an absent or disrupted protein product. Loss-of-function variants in CTSA are known to be pathogenic (PMID: 15110321, 23915561). This variant is present in population databases (no rsID available, gnomAD 0.01%).

Literature cited by the submitters: PubMed 15110321; PubMed 23915561.